The following is an entry in ClinVar:

ClinVar aggregate classification (germline): Uncertain significance. Review status: criteria provided, multiple submitters, no conflicts (2 of 4 stars). 2 submissions from 2 submitters: Uncertain significance (2). Last evaluated 2026-03-24.

Submissions (2):

GeneDx
Classification: Uncertain significance. Last evaluated: 2026-03-24. Review status: criteria provided, single submitter. Criteria: GeneDx Variant Classification Process June 2021. Collection method: clinical testing. Allele origin: germline.
Comment: Not observed at significant frequency in large population cohorts (gnomAD); In silico analysis supports that this missense variant has a deleterious effect on protein structure/function; Has not been previously published as pathogenic or benign to our knowledge

Labcorp Genetics (formerly Invitae), Labcorp
Classification: Uncertain significance. Last evaluated: 2025-03-01. Review status: criteria provided, single submitter. Criteria: Invitae Variant Classification Sherloc (09022015). Collection method: clinical testing. Allele origin: germline.
Comment: This sequence change replaces histidine, which is basic and polar, with aspartic acid, which is acidic and polar, at codon 441 of the FBXO11 protein (p.His441Asp). This variant is not present in population databases (gnomAD no frequency). This variant has not been reported in the literature in individuals affected with FBXO11-related conditions. An algorithm developed to predict the effect of missense changes on protein structure and function (PolyPhen-2) suggests that this variant is likely to be disruptive. In summary, the available evidence is currently insufficient to determine the role of this variant in disease. Therefore, it has been classified as a Variant of Uncertain Significance.

NM_001190274.2(FBXO11):c.1321C>G (p.His441Asp)

Gene: FBXO11 (F-box protein 11; minus strand). Cytogenetic location: 2p16.3.
Variant type: single nucleotide variant.
Coding change: c.1321C>G on transcript NM_001190274.2 (MANE Select); coding-DNA position 1321, C replaced by G.
Protein change: p.His441Asp; replaces histidine 441 with aspartic acid.
Molecular consequence: missense variant.
Genome position (GRCh38, 1-based): chr2:47,832,426, G>C on the plus strand (C>G on the coding strand, the complement: FBXO11 is on the minus strand). VCF-style: chr2-47832426-G-C. GRCh37 (hg19) VCF-style: chr2-48059565-G-C.
Other names: c.1069C>G, p.His357Asp (NM_001374325.1, NM_025133.4); c.1321C>G (NM_001190274.1); short protein forms H357D, H441D.
Identifiers: ClinVar variation 4803754 (VCV004803754.2).